The following is an entry in ClinVar:

ClinVar aggregate classification (germline): Pathogenic (1 of 4 stars; one submission).

Conditions:
PMM2-congenital disorder of glycosylation. Also called: PMM2-CDG; PHOSPHOMANNOMUTASE 2 DEFICIENCY; CARBOHYDRATE-DEFICIENT GLYCOPROTEIN SYNDROME, TYPE Ia; Congenital disorder of glycosylation, type Ia; CDG Ia; JAEKEN SYNDROME. Identifiers: Orphanet 79318, MedGen C0349653, MONDO:0008907, OMIM 212065.

Submission:

Labcorp Genetics (formerly Invitae), Labcorp
Classification: Pathogenic for Carbohydrate-deficient glycoprotein syndrome type I. Last evaluated: 2018-11-08. Review status: criteria provided, single submitter. Criteria: Invitae Variant Classification Sherloc (09022015). Collection method: clinical testing. Allele origin: germline.
Comment: A gross deletion of the genomic region encompassing the full coding sequence of the PMM2 gene has been identified. The boundaries of this event are unknown as the deletion extends beyond the assayed region for this gene and therefore may encompass additional genes. This finding is consistent with autosomal recessive inheritance, and suggests that this variant contributes to disease. Loss-of-function variants in PMM2 are known to be pathogenic (PMID: 19862844). For these reasons, this variant has been classified as Pathogenic.

NC_000016.10:g.(?_8779459)_(8847845_?)del

Genes: ABAT (4-aminobutyrate aminotransferase; plus strand), PMM2 (phosphomannomutase 2; plus strand), TMEM186 (transmembrane protein 186; minus strand), LOC130058390 (ATAC-STARR-seq lymphoblastoid silent region 7177; plus strand), LOC130058391 (ATAC-STARR-seq lymphoblastoid silent region 7178; plus strand) and 2 more. Cytogenetic location: 16p13.2.
Variant type: Deletion.
Identifiers: ClinVar variation 661750 (VCV000661750.1).